The following is an entry in ClinVar:

ClinVar aggregate classification (germline): Uncertain significance (1 of 4 stars; one submission).

Allele frequency attached by ClinVar (database versions not stated): gnomAD exomes below 0.00001; TOPMed below 0.00001; ExAC 0.00001.
gnomAD v4.1: 5 of 1,613,046 alleles (0.00031%); highest among the groups gnomAD compares: Non-Finnish European, 0.00042%; no homozygotes.

Submission:

Labcorp Genetics (formerly Invitae), Labcorp
Classification: Uncertain significance. Last evaluated: 2022-02-17. Review status: criteria provided, single submitter. Criteria: Invitae Variant Classification Sherloc (09022015). Collection method: clinical testing. Allele origin: germline.
Comment: Algorithms developed to predict the effect of missense changes on protein structure and function are either unavailable or do not agree on the potential impact of this missense change (SIFT: "Deleterious"; PolyPhen-2: "Probably Damaging"; Align-GVGD: "Class C0"). This sequence change replaces isoleucine, which is neutral and non-polar, with leucine, which is neutral and non-polar, at codon 238 of the MTHFD1 protein (p.Ile238Leu). This variant is present in population databases (rs758319790, gnomAD 0.002%). This variant has not been reported in the literature in individuals affected with MTHFD1-related conditions. In summary, the available evidence is currently insufficient to determine the role of this variant in disease. Therefore, it has been classified as a Variant of Uncertain Significance.

NM_005956.4(MTHFD1):c.712A>C (p.Ile238Leu)

Gene: MTHFD1 (methylenetetrahydrofolate dehydrogenase, cyclohydrolase and formyltetrahydrofolate synthetase 1; plus strand). Cytogenetic location: 14q23.3.
Variant type: single nucleotide variant.
Coding change: c.712A>C on transcript NM_005956.4 (MANE Select); coding-DNA position 712, A replaced by C.
Protein change: p.Ile238Leu; replaces isoleucine 238 with leucine.
Molecular consequence: missense variant.
Genome position (GRCh38, 1-based): chr14:64,419,910, A>C. VCF-style: chr14-64419910-A-C. GRCh37 (hg19) VCF-style: chr14-64886628-A-C.
Other names: c.712A>C, p.Ile238Leu (NM_001364837.1); short protein forms I238L.
Identifiers: ClinVar variation 1931836 (VCV001931836.5), dbSNP rs758319790, ClinGen allele CA7226014.